The following is an entry in ClinVar:

NM_153704.6(TMEM67):c.2440-5T>C

Gene: TMEM67 (transmembrane protein 67; plus strand). Cytogenetic location: 8q22.1.
Variant type: single nucleotide variant.
Coding change: c.2440-5T>C on transcript NM_153704.6 (MANE Select); 5 bases into the intron before coding-DNA position 2440, T replaced by C.
Molecular consequence: intron variant.
Genome position (GRCh38, 1-based): chr8:93,808,835, T>C. VCF-style: chr8-93808835-T-C. GRCh37 (hg19) VCF-style: chr8-94821063-T-C.
Other names: c.2197-5T>C (NM_001142301.1).
Identifiers: ClinVar variation 1506810 (VCV001506810.8), dbSNP rs2130780220, ClinGen allele CA2573143475.

ClinVar aggregate classification (germline): Uncertain significance (1 of 4 stars; one submission).

Conditions:
Meckel-Gruber syndrome. Also called: DYSENCEPHALIA SPLANCHNOCYSTICA; GRUBER SYNDROME; Dysencephalia splachnocystica. Identifiers: Orphanet 564, MedGen C0265215, MONDO:0018921.
Joubert syndrome. Also called: CEREBELLOPARENCHYMAL DISORDER IV; JOUBERT-BOLTSHAUSER SYNDROME; Familial aplasia of the vermis. Identifiers: Orphanet 475, MedGen C5979921, MONDO:0018772.

Submission:

Labcorp Genetics (formerly Invitae), Labcorp
Classification: Uncertain significance for Joubert syndrome; Meckel-Gruber syndrome. Last evaluated: 2021-05-18. Review status: criteria provided, single submitter. Criteria: Invitae Variant Classification Sherloc (09022015). Collection method: clinical testing. Allele origin: germline.
Comment: In summary, the available evidence is currently insufficient to determine the role of this variant in disease. Therefore, it has been classified as a Variant of Uncertain Significance. Algorithms developed to predict the effect of sequence changes on RNA splicing suggest that this variant may disrupt the consensus splice site, but this prediction has not been confirmed by published transcriptional studies. This variant has not been reported in the literature in individuals with TMEM67-related conditions. This variant is not present in population databases (ExAC no frequency). This sequence change falls in intron 23 of the TMEM67 gene. It does not directly change the encoded amino acid sequence of the TMEM67 protein.